The following is an entry in ClinVar:

ClinVar aggregate classification (germline): Uncertain significance (1 of 4 stars; one submission).

Submission:

Labcorp Genetics (formerly Invitae), Labcorp
Classification: Uncertain significance. Last evaluated: 2022-09-27. Review status: criteria provided, single submitter. Criteria: Invitae Variant Classification Sherloc (09022015). Collection method: clinical testing. Allele origin: germline.
Comment: This sequence change replaces lysine, which is basic and polar, with asparagine, which is neutral and polar, at codon 190 of the WNT1 protein (p.Lys190Asn). This variant is not present in population databases (gnomAD no frequency). This variant has not been reported in the literature in individuals affected with WNT1-related conditions. Advanced modeling of protein sequence and biophysical properties (such as structural, functional, and spatial information, amino acid conservation, physicochemical variation, residue mobility, and thermodynamic stability) performed at Invitae indicates that this missense variant is not expected to disrupt WNT1 protein function. In summary, the available evidence is currently insufficient to determine the role of this variant in disease. Therefore, it has been classified as a Variant of Uncertain Significance.

NM_005430.4(WNT1):c.570G>T (p.Lys190Asn)

Gene: WNT1 (Wnt family member 1; plus strand). Cytogenetic location: 12q13.12.
Variant type: single nucleotide variant.
Coding change: c.570G>T on transcript NM_005430.4 (MANE Select); coding-DNA position 570, G replaced by T.
Protein change: p.Lys190Asn; replaces lysine 190 with asparagine.
Molecular consequence: missense variant.
Genome position (GRCh38, 1-based): chr12:48,980,635, G>T. VCF-style: chr12-48980635-G-T. GRCh37 (hg19) VCF-style: chr12-49374418-G-T.
Other names: short protein forms K190N.
Identifiers: ClinVar variation 2109377 (VCV002109377.4), dbSNP rs1310395345, ClinGen allele CA384632298.
Genomic context (GRCh38, chr12:48,980,635, plus strand): 5'-CAGCGACAACATTGACTTCGGCCGCCTCTTCGGCCGGGAGTTCGTGGACTCCGGGGAGAA[G>T]GGGCGGGACCTGCGCTTCCTCATGAACCTTCACAACAACGAGGCAGGCCGTACGGTGAGC-3'
Protein context (NP_005421.1, residues 180-200): FGREFVDSGE[Lys190Asn]GRDLRFLMNL